The following is an entry in ClinVar:

NM_000478.6(ALPL):c.920dup (p.Ser308fs)

Gene: ALPL (alkaline phosphatase, biomineralization associated; plus strand). Cytogenetic location: 1p36.12.
Variant type: Duplication.
Coding change: c.920dup on transcript NM_000478.6 (MANE Select); coding-DNA position 920, one base duplicated (C; older notation c.920dupC).
Protein change: p.Ser308fs; shifts the reading frame from serine 308.
Molecular consequence: frameshift variant.
Genome position (GRCh38, 1-based): chr1:21,573,722, C duplicated; the last of 3 consecutive C bases (chr1:21,573,720-21,573,722); duplicating any one gives the same sequence. VCF-style (leftmost placement, unchanged base first): chr1-21573719-A-AC. GRCh37 (hg19) VCF-style: chr1-21900212-A-AC.
Other names: c.755dup, p.Ser253fs (NM_001127501.4); c.689dup, p.Ser231fs (NM_001177520.3); c.920dup, p.Ser308fs (NM_001369803.2, NM_001369804.2, NM_001369805.2); short protein forms S231fs, S253fs, S308fs.
Identifiers: ClinVar variation 5011837 (VCV005011837.1).
Genomic context (GRCh38, chr1:21,573,719, plus strand): 5'-CCTCAGGTCTCTTCGAGCCAGGGGACATGCAGTACGAGCTGAACAGGAACAACGTGACGG[A>AC]CCCGTCACTCTCCGAGATGGTGGTGGTGGCCATCCAGATCCTGCGGAAGAACCCCAAAGG-3'

ClinVar aggregate classification (germline): Pathogenic (1 of 4 stars; one submission).

Conditions:
Hypophosphatasia. Also called: Phosphoethanol-aminuria. Identifiers: Orphanet 436, MedGen C0020630, MeSH D007014, MONDO:0018570.

Submission:

Myriad Genetics, Inc.
Classification: Pathogenic for Hypophosphatasia. Last evaluated: 2023-09-27. Review status: criteria provided, single submitter. Criteria: Myriad Autosomal Dominant, Autosomal Recessive and X-Linked Classification Criteria (2023). Collection method: clinical testing. Allele origin: unknown.
Comment: NM_000478.4(ALPL):c.920dupC(S308Vfs*30) is expected to be pathogenic in the context of hypophosphatasia. This variant is predicted to lead to an abnormal or absent protein product due to the creation of a premature termination codon in ALPL, a gene where loss-of-function variants are known to be pathogenic. Please note: this variant was assessed in the context of healthy population screening.